The following is an entry in ClinVar:

ClinVar aggregate classification (germline): Likely benign. Review status: criteria provided, multiple submitters, no conflicts (2 of 4 stars). 2 submissions from 2 submitters: Likely benign (2). Last evaluated 2025-02-05.

Conditions:
POLD1-related polyposis and colorectal cancer syndrome (CRCS10). Also called: Colorectal cancer 10; COLORECTAL CANCER, SUSCEPTIBILITY TO, ON CHROMOSOME 19q; Colorectal cancer, susceptibility to, 10. Identifiers: Orphanet 220460, MedGen C2675481, MONDO:0012953, OMIM 612591.

Submissions (2):

Myriad Genetics, Inc.
Classification: Likely benign for POLD1-related polyposis and colorectal cancer syndrome. Last evaluated: 2025-02-05. Review status: criteria provided, single submitter. Criteria: Myriad Autosomal Dominant, Autosomal Recessive and X-Linked Classification Criteria (2023). Collection method: clinical testing. Allele origin: unknown.
Comment: This variant is considered likely benign. This variant is intronic and is not expected to impact mRNA splicing.

Labcorp Genetics (formerly Invitae), Labcorp
Classification: Likely benign for POLD1-related polyposis and colorectal cancer syndrome. Last evaluated: 2024-06-16. Review status: criteria provided, single submitter. Criteria: Invitae Variant Classification Sherloc (09022015). Collection method: clinical testing. Allele origin: germline.

NM_002691.4(POLD1):c.1242+10G>C

Gene: POLD1 (DNA polymerase delta 1, catalytic subunit; plus strand). Cytogenetic location: 19q13.33.
Variant type: single nucleotide variant.
Coding change: c.1242+10G>C on transcript NM_002691.4 (MANE Select); 10 bases into the intron after coding-DNA position 1242, G replaced by C.
Molecular consequence: intron variant.
Genome position (GRCh38, 1-based): chr19:50,403,607, G>C. VCF-style: chr19-50403607-G-C. GRCh37 (hg19) VCF-style: chr19-50906864-G-C.
Other names: c.1242+10G>C (NM_001256849.1, NM_001308632.1).
Identifiers: ClinVar variation 3648227 (VCV003648227.3).